The following is an entry in ClinVar:

ClinVar aggregate classification (germline): Uncertain significance (1 of 4 stars; one submission).

Conditions:
Familial sleep-related hypermotor epilepsy. Also called: Autosomal Dominant Sleep-Related Hypermotor (Hyperkinetic) Epilepsy. Identifiers: Orphanet 98784, MedGen C3696898, MONDO:0000030.

Submission:

Labcorp Genetics (formerly Invitae), Labcorp
Classification: Uncertain significance. Last evaluated: 2023-06-20. Review status: criteria provided, single submitter. Criteria: Invitae Variant Classification Sherloc (09022015). Collection method: clinical testing. Allele origin: germline.
Comment: In summary, the available evidence is currently insufficient to determine the role of this variant in disease. Therefore, it has been classified as a Variant of Uncertain Significance. This variant has not been reported in the literature in individuals affected with CHRNA2-related conditions. This variant is not present in population databases (gnomAD no frequency). This sequence change creates a premature translational stop signal (p.Ala36Leufs*49) in the CHRNA2 gene. It is expected to result in an absent or disrupted protein product. However, the current clinical and genetic evidence is not sufficient to establish whether loss-of-function variants in CHRNA2 cause disease.

NM_000742.4(CHRNA2):c.106del (p.Ala36fs)

Gene: CHRNA2 (cholinergic receptor nicotinic alpha 2 subunit; minus strand). Cytogenetic location: 8p21.2.
Variant type: Deletion.
Coding change: c.106del on transcript NM_000742.4 (MANE Select); coding-DNA position 106, one base deleted (G; older notation c.106delG).
Protein change: p.Ala36fs; shifts the reading frame from alanine 36.
Molecular consequence: frameshift variant. On other transcripts: 5 prime UTR variant (4).
Genome position (GRCh38, 1-based): chr8:27,469,949, C deleted on the plus strand (G on the coding strand, the reverse complement: CHRNA2 is on the minus strand); the first of 3 consecutive C bases (chr8:27,469,949-27,469,951); deleting any one gives the same sequence. VCF-style (leftmost placement, unchanged base first): chr8-27469948-GC-G. GRCh37 (hg19) VCF-style: chr8-27327465-GC-G.
Other names: c.106del, p.Ala36fs (NM_001282455.2); c.-322del (NM_001347705.2); c.-367del (NM_001347706.2); c.-308del (NM_001347707.2); c.-356del (NM_001347708.2); short protein forms A36fs.
Identifiers: ClinVar variation 2853326 (VCV002853326.3), dbSNP rs2490576898, ClinGen allele CA2739278679.